The following is an entry in ClinVar:

ClinVar aggregate classification (germline): Likely benign (1 of 4 stars; one submission).

Allele frequency attached by ClinVar (database versions not stated): gnomAD exomes below 0.00001.
gnomAD v4.1: 2 of 1,614,058 alleles (0.00012%); highest among the groups gnomAD compares: South Asian, 0.0022%; no homozygotes.

Submission:

CeGaT Center for Human Genetics Tuebingen
Classification: Likely benign. Last evaluated: 2023-08-01. Review status: criteria provided, single submitter. Criteria: CeGaT Center For Human Genetics Tuebingen Variant Classification Criteria Version 2. Collection method: clinical testing. Allele origin: germline. Affected: yes. Observed: 1 variant allele.
Comment: FBN1: PM2:Supporting, BP4, BP7

NM_000138.5(FBN1):c.8331C>T (p.Ile2777=)

Gene: FBN1 (fibrillin 1; minus strand). Cytogenetic location: 15q21.1.
Variant type: single nucleotide variant.
Coding change: c.8331C>T on transcript NM_000138.5 (MANE Select); coding-DNA position 8331, C replaced by T.
Protein change: p.Ile2777=; no amino-acid change (isoleucine 2777 retained).
Molecular consequence: synonymous variant.
Genome position (GRCh38, 1-based): chr15:48,411,275, G>A on the plus strand (C>T on the coding strand, the complement: FBN1 is on the minus strand). VCF-style: chr15-48411275-G-A. GRCh37 (hg19) VCF-style: chr15-48703472-G-A.
Other names: c.8331C>T, p.Ile2777= (NM_001406716.1).
Identifiers: ClinVar variation 2645310 (VCV002645310.24), dbSNP rs1427984176, ClinGen allele CA490118990.
Genomic context (GRCh38, chr15:48,411,275, plus strand): 5'-AGATTCGATCAAGTATCTGTTGTGATTCGTCAGAGTTGTAAGAGCTGGAAGGAGTTCTAG[G>A]ATTCGAACCTTGTTACTGACGTGGGAAATATTGAAAGCAAAGATGGCTGTCTTCTCAACA-3'
Protein context (NP_000129.3, residues 2767-2787): NISHVSNKVR[Ile2777=]LELLPALTTL